The following is an entry in ClinVar:

ClinVar aggregate classification (germline): Likely benign. Review status: criteria provided, multiple submitters, no conflicts (2 of 4 stars). 4 submissions from 4 submitters: Likely benign (4). Last evaluated 2026-09-01.

Conditions:
Primary ciliary dyskinesia 27. Also called: CILIARY DYSKINESIA, PRIMARY, 27, WITHOUT SITUS INVERSUS. Identifiers: Orphanet 244, MedGen C3809701, MONDO:0014215, OMIM 615504.

Allele frequency attached by ClinVar (database versions not stated): ESP Exome Variant Server 0.00031; TOPMed 0.00060; gnomAD 0.00062 and 0.00067; ExAC 0.00070.
gnomAD v4.1: 1,076 of 1,614,018 alleles (0.067%); highest among the groups gnomAD compares: Non-Finnish European, 0.069%; 2 homozygotes.

Submissions (4):

CeGaT Center for Human Genetics Tuebingen
Classification: Likely benign. Last evaluated: 2026-09-01. Review status: criteria provided, single submitter. Criteria: CeGaT Center For Human Genetics Tuebingen Variant Classification Criteria Version 2. Collection method: clinical testing. Allele origin: germline. Affected: yes. Observed: 1 variant allele.
Comment: DRC2: BP4, BP7

Labcorp Genetics (formerly Invitae), Labcorp
Classification: Likely benign for Primary ciliary dyskinesia 27. Last evaluated: 2026-01-08. Review status: criteria provided, single submitter. Criteria: Invitae Variant Classification Sherloc (09022015). Collection method: clinical testing. Allele origin: germline.

Blueprint Genetics
Classification: Likely benign. Last evaluated: 2024-11-19. Review status: criteria provided, single submitter. Criteria: ACMG Guidelines, 2015. Collection method: clinical testing. Allele origin: germline.

Fulgent Genetics
Classification: Likely benign for Primary ciliary dyskinesia 27. Last evaluated: 2022-05-16. Review status: criteria provided, single submitter. Criteria: ACMG Guidelines, 2015. Collection method: clinical testing. Allele origin: unknown.

NM_033124.5(DRC2):c.456G>A (p.Glu152=)

Gene: DRC2 (dynein regulatory complex subunit 2; plus strand). Cytogenetic location: 12q13.12.
Variant type: single nucleotide variant.
Coding change: c.456G>A on transcript NM_033124.5 (MANE Select); coding-DNA position 456, G replaced by A.
Protein change: p.Glu152=; no amino-acid change (glutamic acid 152 retained).
Molecular consequence: synonymous variant.
Genome position (GRCh38, 1-based): chr12:48,914,559, G>A. VCF-style: chr12-48914559-G-A. GRCh37 (hg19) VCF-style: chr12-49308342-G-A.
Other names: c.27G>A, p.Glu9= (NM_001286957.2).
Identifiers: ClinVar variation 416604 (VCV000416604.16), dbSNP rs145100370, ClinGen allele CA6543233.